The following is an entry in ClinVar:

NM_001267550.2(TTN):c.36280+2T>G

Gene: TTN (titin; minus strand). Cytogenetic location: 2q31.2.
Variant type: single nucleotide variant.
Coding change: c.36280+2T>G on transcript NM_001267550.2 (MANE Select); the canonical splice donor site of the intron after coding-DNA position 36280, T replaced by G.
Molecular consequence: splice donor variant. On other transcripts: intron variant (5).
Genome position (GRCh38, 1-based): chr2:178,664,458, A>C on the plus strand (T>G on the coding strand, the complement: TTN is on the minus strand). VCF-style: chr2-178664458-A-C. GRCh37 (hg19) VCF-style: chr2-179529185-A-C.
Other names: c.13283-22141T>G (NM_003319.4); c.13859-22141T>G (NM_133437.4); c.13658-22141T>G (NM_133432.3); c.31484-1403T>G (NM_133378.4); c.34265-1403T>G (NM_001256850.1).
Identifiers: ClinVar variation 2168456 (VCV002168456.4), dbSNP rs1266861758, ClinGen allele CA349499666.

ClinVar aggregate classification (germline): Likely pathogenic (1 of 4 stars; one submission).

Conditions:
Autosomal recessive limb-girdle muscular dystrophy type 2J (LGMDR10). Also called: Limb-girdle muscular dystrophy, type 2J; MUSCULAR DYSTROPHY, LIMB-GIRDLE, AUTOSOMAL RECESSIVE 10. Identifiers: Orphanet 140922, MedGen C1837342, MONDO:0012127, OMIM 608807.
Dilated cardiomyopathy 1G (CMD1G). Identifiers: Orphanet 154, MedGen C1858763, MONDO:0011400, OMIM 604145.

Allele frequency attached by ClinVar (database versions not stated): TOPMed below 0.00001.
gnomAD v4.1: 2 of 1,608,108 alleles (0.00012%); highest among the groups gnomAD compares: Non-Finnish European, 0.00017%; no homozygotes.

Submission:

Labcorp Genetics (formerly Invitae), Labcorp
Classification: Likely pathogenic for Dilated cardiomyopathy 1G; Autosomal recessive limb-girdle muscular dystrophy type 2J. Last evaluated: 2024-11-04. Review status: criteria provided, single submitter. Criteria: Invitae Variant Classification Sherloc (09022015). Collection method: clinical testing. Allele origin: germline.
Comment: This sequence change affects a donor splice site in intron 168 of the TTN gene. It is expected to disrupt RNA splicing and likely results in a truncated or disrupted TTN protein. This variant is not present in population databases (gnomAD no frequency). This variant has not been reported in the literature in individuals affected with TTN-related conditions. ClinVar contains an entry for this variant (Variation ID: 2168456). Algorithms developed to predict the effect of sequence changes on RNA splicing suggest that this variant may disrupt the consensus splice site. This variant is located in the I band of TTN (PMID: 25589632). Truncating variants in this region have been reported in individuals affected with autosomal recessive centronuclear myopathy (PMID: 23975875, internal data). Truncating variants in this region have also been identified in individuals affected with autosomal dominant dilated cardiomyopathy and/or cardio-related conditions (PMID: 27869827, 32964742, internal data). In summary, the currently available evidence indicates that the variant is pathogenic, but additional data are needed to prove that conclusively. Therefore, this variant has been classified as Likely Pathogenic.

Literature cited by the submitters: PubMed 25589632; PubMed 23975875; PubMed 27869827; PubMed 32964742.